The following is an entry in ClinVar:

ClinVar aggregate classification (germline): Likely benign (1 of 4 stars; one submission).

Allele frequency attached by ClinVar (database versions not stated): gnomAD 0.00001.

Submission:

GeneDx
Classification: Likely benign. Last evaluated: 2017-07-14. Review status: criteria provided, single submitter. Criteria: GeneDx Variant Classification (06012015). Collection method: clinical testing. Allele origin: germline. Affected: yes.
Comment: This variant is considered likely benign or benign based on one or more of the following criteria: it is a conservative change, it occurs at a poorly conserved position in the protein, it is predicted to be benign by multiple in silico algorithms, and/or has population frequency not consistent with disease.

NM_000090.4(COL3A1):c.1977+8dup

Gene: COL3A1 (collagen type III alpha 1 chain; plus strand). Cytogenetic location: 2q32.2.
Variant type: Duplication.
Coding change: c.1977+8dup on transcript NM_000090.4 (MANE Select); 8 bases into the intron after coding-DNA position 1977, one base duplicated (A; older notation c.1977+8dupA).
Molecular consequence: intron variant.
Genome position (GRCh38, 1-based): chr2:188,998,327, A duplicated. VCF-style (leftmost placement, unchanged base first): chr2-188998326-T-TA. GRCh37 (hg19) VCF-style: chr2-189863052-T-TA.
Other names: c.1977+8dupA (NM_000090.3).
Identifiers: ClinVar variation 510832 (VCV000510832.1), dbSNP rs1553508546, ClinGen allele CA658796120.
Genomic context (GRCh38, chr2:188,998,326, plus strand): 5'-GGCTTGCCTGGTACAGGTGGTCCTCCAGGAGAAAATGGAAAACCTGGGGAACCAGTAAGT[T>TA]ACGTTTCATTATTCAAAACTCAGAAACAAAAAGAATACACACTGTTTGTTTGTCAACTAT-3'